The following is an entry in ClinVar:

ClinVar aggregate classification (germline): Uncertain significance (1 of 4 stars; one submission).

Conditions:
Immunodeficiency 39 (IMD39). Identifiers: Orphanet 574918, MedGen C4225358, MONDO:0014597, OMIM 616345.

Allele frequency attached by ClinVar (database versions not stated): gnomAD 0.00001.
gnomAD v4.1: 6 of 1,584,142 alleles (0.00038%); highest among the groups gnomAD compares: Non-Finnish European, 0.00043%; no homozygotes.

Submission:

Labcorp Genetics (formerly Invitae), Labcorp
Classification: Uncertain significance for Immunodeficiency 39. Last evaluated: 2024-12-16. Review status: criteria provided, single submitter. Criteria: Invitae Variant Classification Sherloc (09022015). Collection method: clinical testing. Allele origin: germline.
Comment: This sequence change replaces valine, which is neutral and non-polar, with leucine, which is neutral and non-polar, at codon 25 of the IRF7 protein (p.Val25Leu). This variant is not present in population databases (gnomAD no frequency). This variant has not been reported in the literature in individuals affected with IRF7-related conditions. ClinVar contains an entry for this variant (Variation ID: 1402162). Invitae Evidence Modeling of protein sequence and biophysical properties (such as structural, functional, and spatial information, amino acid conservation, physicochemical variation, residue mobility, and thermodynamic stability) indicates that this missense variant is not expected to disrupt IRF7 protein function with a negative predictive value of 80%. In summary, the available evidence is currently insufficient to determine the role of this variant in disease. Therefore, it has been classified as a Variant of Uncertain Significance.

NM_001572.5(IRF7):c.34G>T (p.Val12Leu)

Gene: IRF7 (interferon regulatory factor 7; minus strand). Cytogenetic location: 11p15.5.
Variant type: single nucleotide variant.
Coding change: c.34G>T on transcript NM_001572.5 (MANE Select); coding-DNA position 34, G replaced by T.
Protein change: p.Val12Leu; replaces valine 12 with leucine.
Molecular consequence: missense variant.
Genome position (GRCh38, 1-based): chr11:615,246, C>A on the plus strand (G>T on the coding strand, the complement: IRF7 is on the minus strand). VCF-style: chr11-615246-C-A. GRCh37 (hg19) VCF-style: chr11-615246-C-A.
Other names: c.34G>T, p.Val12Leu (NM_004029.4); c.73G>T, p.Val25Leu (NM_004031.4); short protein forms V25L, V12L.
Identifiers: ClinVar variation 1402162 (VCV001402162.9), dbSNP rs746593118, ClinGen allele CA378985025.